The following is an entry in ClinVar:

ClinVar aggregate classification (germline): Uncertain significance (1 of 4 stars; one submission).

Conditions:
Fanconi anemia (FA). Also called: Fanconi's anemia. Identifiers: Orphanet 84, MedGen C0015625, MeSH D005199, MONDO:0019391.

gnomAD v4.1: 1 of 1,614,026 alleles (0.000062%); highest among the groups gnomAD compares: Non-Finnish European, 0.000085%; no homozygotes.

Submission:

Labcorp Genetics (formerly Invitae), Labcorp
Classification: Uncertain significance for Fanconi anemia. Last evaluated: 2024-02-28. Review status: criteria provided, single submitter. Criteria: Invitae Variant Classification Sherloc (09022015). Collection method: clinical testing. Allele origin: germline.
Comment: This sequence change replaces alanine, which is neutral and non-polar, with proline, which is neutral and non-polar, at codon 102 of the FANCA protein (p.Ala102Pro). This variant is not present in population databases (gnomAD no frequency). This variant has not been reported in the literature in individuals affected with FANCA-related conditions. Advanced modeling of protein sequence and biophysical properties (such as structural, functional, and spatial information, amino acid conservation, physicochemical variation, residue mobility, and thermodynamic stability) performed at Invitae indicates that this missense variant is expected to disrupt FANCA protein function with a positive predictive value of 80%. In summary, the available evidence is currently insufficient to determine the role of this variant in disease. Therefore, it has been classified as a Variant of Uncertain Significance.

NM_000135.4(FANCA):c.304G>C (p.Ala102Pro)

Gene: FANCA (FA complementation group A; minus strand). Cytogenetic location: 16q24.3.
Variant type: single nucleotide variant.
Coding change: c.304G>C on transcript NM_000135.4 (MANE Select); coding-DNA position 304, G replaced by C.
Protein change: p.Ala102Pro; replaces alanine 102 with proline.
Molecular consequence: missense variant.
Genome position (GRCh38, 1-based): chr16:89,811,051, C>G on the plus strand (G>C on the coding strand, the complement: FANCA is on the minus strand). VCF-style: chr16-89811051-C-G. GRCh37 (hg19) VCF-style: chr16-89877459-C-G.
Other names: c.304G>C, p.Ala102Pro (NM_001018112.3, NM_001286167.3, NM_001351830.2); short protein forms A102P.
Identifiers: ClinVar variation 3717962 (VCV003717962.2).